The following is an entry in ClinVar:

ClinVar aggregate classification (germline): Likely pathogenic (1 of 4 stars; one submission).

Conditions:
Arrhythmogenic right ventricular dysplasia 8 (ARVD8). Also called: Arrhythmogenic Right Ventricular Dysplasia/Cardiomyopathy 8; ARRHYTHMOGENIC RIGHT VENTRICULAR CARDIOMYOPATHY 8; ARRHYTHMOGENIC RIGHT VENTRICULAR DYSPLASIA, FAMILIAL, 8. Identifiers: MedGen C1843896, MONDO:0011831, OMIM 607450.
Arrhythmogenic cardiomyopathy with wooly hair and keratoderma. Also called: Arrhythmogenic cardiomyopathy with woolly hair and keratoderma; Carvajal syndrome; PALMOPLANTAR KERATODERMA WITH LEFT VENTRICULAR CARDIOMYOPATHY AND WOOLLY HAIR; Dilated cardiomyopathy with woolly hair and keratoderma. Identifiers: Orphanet 65282, MedGen C1854063, MONDO:0011581, OMIM 605676.

Submission:

Labcorp Genetics (formerly Invitae), Labcorp
Classification: Likely pathogenic for Arrhythmogenic cardiomyopathy with wooly hair and keratoderma; Arrhythmogenic right ventricular dysplasia 8. Last evaluated: 2020-03-16. Review status: criteria provided, single submitter. Criteria: Invitae Variant Classification Sherloc (09022015). Collection method: clinical testing. Allele origin: germline.
Comment: In summary, the currently available evidence indicates that the variant is pathogenic, but additional data are needed to prove that conclusively. Therefore, this variant has been classified as Likely Pathogenic. Donor and acceptor splice site variants typically lead to a loss of protein function (PMID: 16199547), and loss-of-function variants in DSP are known to be pathogenic (PMID: 20716751, 24503780, 25227139). Algorithms developed to predict the effect of sequence changes on RNA splicing suggest that this variant may disrupt the consensus splice site, but this prediction has not been confirmed by published transcriptional studies. This variant has not been reported in the literature in individuals with DSP-related conditions. This variant is not present in population databases (ExAC no frequency). This sequence change affects a donor splice site in intron 3 of the DSP gene. It is expected to disrupt RNA splicing and likely results in an absent or disrupted protein product.

Literature cited by the submitters: PubMed 16199547; PubMed 20716751; PubMed 24503780; PubMed 25227139.

NM_004415.4(DSP):c.422+2T>G

Gene: DSP (desmoplakin; plus strand). Cytogenetic location: 6p24.3.
Variant type: single nucleotide variant.
Coding change: c.422+2T>G on transcript NM_004415.4 (MANE Select); the canonical splice donor site of the intron after coding-DNA position 422, T replaced by G.
Molecular consequence: splice donor variant.
Genome position (GRCh38, 1-based): chr6:7,558,266, T>G. VCF-style: chr6-7558266-T-G. GRCh37 (hg19) VCF-style: chr6-7558499-T-G.
Other names: c.422+2T>G (NM_001319034.2, NM_001008844.3, NM_001406591.1).
Identifiers: ClinVar variation 1066387 (VCV001066387.11), dbSNP rs2113657846, ClinGen allele CA362671467.